The following is an entry in ClinVar:

ClinVar aggregate classification (germline): Likely benign (0 of 4 stars; one submission).

Conditions:
TRH-related disorder. Also called: TRH-related condition.

Allele frequency attached by ClinVar (database versions not stated): gnomAD 0.00001; ExAC 0.00003; gnomAD exomes 0.00003; TOPMed 0.00003.
gnomAD v4.1: 17 of 1,614,008 alleles (0.0011%); highest among the groups gnomAD compares: Admixed American, 0.028%; no homozygotes.

Submission:

PreventionGenetics, part of Exact Sciences
Classification: Likely benign for TRH-related condition. Last evaluated: 2019-05-08. Review status: no assertion criteria provided. Collection method: clinical testing. Allele origin: germline.
Comment: This variant is classified as likely benign based on ACMG/AMP sequence variant interpretation guidelines (Richards et al. 2015 PMID: 25741868, with internal and published modifications).

NM_007117.5(TRH):c.186G>A (p.Leu62=)

Gene: TRH (thyrotropin releasing hormone; plus strand). Cytogenetic location: 3q22.1.
Variant type: single nucleotide variant.
Coding change: c.186G>A on transcript NM_007117.5 (MANE Select); coding-DNA position 186, G replaced by A.
Protein change: p.Leu62=; no amino-acid change (leucine 62 retained).
Molecular consequence: synonymous variant.
Genome position (GRCh38, 1-based): chr3:129,976,002, G>A. VCF-style: chr3-129976002-G-A. GRCh37 (hg19) VCF-style: chr3-129694845-G-A.
Identifiers: ClinVar variation 3041582 (VCV003041582.2), dbSNP rs762871465, ClinGen allele CA2609953.